The following is an entry in ClinVar:

ClinVar aggregate classification (germline): Conflicting classifications of pathogenicity. Review status: criteria provided, conflicting classifications (1 of 4 stars). 2 submissions from 2 submitters: Likely pathogenic (1); Uncertain significance (1). Last evaluated 2025-06-13.

Conditions:
Autosomal recessive limb-girdle muscular dystrophy type 2J (LGMDR10). Also called: Limb-girdle muscular dystrophy, type 2J; MUSCULAR DYSTROPHY, LIMB-GIRDLE, AUTOSOMAL RECESSIVE 10. Identifiers: Orphanet 140922, MedGen C1837342, MONDO:0012127, OMIM 608807.
Dilated cardiomyopathy 1G (CMD1G). Identifiers: Orphanet 154, MedGen C1858763, MONDO:0011400, OMIM 604145.

Submissions (2):

3billion
Classification: Uncertain significance for Dilated cardiomyopathy 1G. Last evaluated: 2025-06-13. Review status: criteria provided, single submitter. Criteria: ACMG Guidelines, 2015. Collection method: clinical testing. Allele origin: germline. Affected: yes.
Comment: The variant is not observed in the gnomAD v4.1.0 dataset. Predicted Consequence/Location: Frameshift: predicted to result in a loss or disruption of normal protein function through nonsense-mediated decay (NMD) or protein truncation. The variant has been reported to be associated with TTN-related disorder (ClinVar ID: VCV000946284). Therefore, this variant is classified as VUS according to the recommendation of ACMG/AMP guideline.

Labcorp Genetics (formerly Invitae), Labcorp
Classification: Likely pathogenic for Dilated cardiomyopathy 1G; Autosomal recessive limb-girdle muscular dystrophy type 2J. Last evaluated: 2024-10-18. Review status: criteria provided, single submitter. Criteria: Invitae Variant Classification Sherloc (09022015). Collection method: clinical testing. Allele origin: germline.
Comment: This sequence change creates a premature translational stop signal (p.Val2812Leufs*14) in the TTN gene. While this is not anticipated to result in nonsense mediated decay, it is expected to create a truncated TTN protein. This variant is not present in population databases (gnomAD no frequency). This variant has not been reported in the literature in individuals affected with TTN-related conditions. ClinVar contains an entry for this variant (Variation ID: 946284). This variant is located in the I band of TTN (PMID: 25589632). Truncating variants in this region have been reported in individuals affected with autosomal recessive centronuclear myopathy (PMID: 23975875, internal data). Truncating variants in this region have also been identified in individuals affected with autosomal dominant dilated cardiomyopathy and/or cardio-related conditions (PMID: 27869827, 32964742, internal data). In summary, the currently available evidence indicates that the variant is pathogenic, but additional data are needed to prove that conclusively. Therefore, this variant has been classified as Likely Pathogenic.

Literature cited by the submitters: PubMed 25589632 (cited by Labcorp Genetics (formerly Invitae), Labcorp); PubMed 23975875 (cited by Labcorp Genetics (formerly Invitae), Labcorp); PubMed 27869827 (cited by Labcorp Genetics (formerly Invitae), Labcorp); PubMed 32964742 (cited by Labcorp Genetics (formerly Invitae), Labcorp).

NM_001267550.2(TTN):c.8433del (p.Val2812fs)

Gene: TTN (titin; minus strand). Cytogenetic location: 2q31.2.
Variant type: Deletion.
Coding change: c.8433del on transcript NM_001267550.2 (MANE Select); coding-DNA position 8433, one base deleted (T; older notation c.8433delT).
Protein change: p.Val2812fs; shifts the reading frame from valine 2812.
Molecular consequence: frameshift variant.
Genome position (GRCh38, 1-based): chr2:178,770,268, A deleted on the plus strand (T on the coding strand, the reverse complement: TTN is on the minus strand). VCF-style (leftmost placement, unchanged base first): chr2-178770267-CA-C. GRCh37 (hg19) VCF-style: chr2-179634994-CA-C.
Other names: c.8433del, p.Val2812fs (NM_001256850.1, NM_133378.4, NM_133379.5); c.8295del, p.Val2766fs (NM_003319.4, NM_133432.3, NM_133437.4); short protein forms V2766fs, V2812fs.
Identifiers: ClinVar variation 946284 (VCV000946284.11), dbSNP rs2091273665, ClinGen allele CA1139657492.